The following is an entry in ClinVar:

ClinVar aggregate classification (germline): Likely pathogenic (1 of 4 stars; one submission).

Submission:

GeneDx
Classification: Likely pathogenic. Last evaluated: 2013-05-24. Review status: criteria provided, single submitter. Criteria: GeneDx Variant Classification (06012015). Collection method: clinical testing. Allele origin: germline. Affected: yes.
Comment: The Lys174Thr variant in the TNNI3 gene has not been reported as a disease-causing mutation or as a benign polymorphism to our knowledge. Lys174Thr results in a non-conservative amino acid substitution of a positively charged Lysine with a neutral, polar Threonine at a position that is mostly conserved across species. In silico analysis predicts Lys174Thr is probably damaging to the protein structure/function. Mutations in nearby residues (Arg170Gln, Ala171Thr, Lys178Glu, Asp180Gly) have been reported in association with cardiomyopathy, supporting the functional importance of this region of the protein. Furthermore, the Lys174Thr variant was not observed in approximately 6,000 individuals of European and African American ancestry in the NHLBI Exome Sequencing Project, indicating it is not a common benign variant in these populations.In summary, while Lys174Thr is a good candidate for a disease-causing mutation, with the clinical and molecular information available at this time we cannot unequivocally determine the clinical significance of this variant.The variant is found in HCM panel(s).

NM_000363.5(TNNI3):c.521A>C (p.Lys174Thr)

Gene: TNNI3 (troponin I3, cardiac type; minus strand). Cytogenetic location: 19q13.42.
Variant type: single nucleotide variant.
Coding change: c.521A>C on transcript NM_000363.5 (MANE Select); coding-DNA position 521, A replaced by C.
Protein change: p.Lys174Thr; replaces lysine 174 with threonine.
Molecular consequence: missense variant.
Genome position (GRCh38, 1-based): chr19:55,154,058, T>G on the plus strand (A>C on the coding strand, the complement: TNNI3 is on the minus strand). VCF-style: chr19-55154058-T-G. GRCh37 (hg19) VCF-style: chr19-55665426-T-G.
Other names: p.K174T:AAG>ACG; c.521A>C (LRG_432t1); short protein forms K174T.
Identifiers: ClinVar variation 181585 (VCV000181585.2), dbSNP rs730881076, ClinGen allele CA021804.